The following is an entry in ClinVar:

ClinVar aggregate classification (germline): Pathogenic (1 of 4 stars; one submission).

Conditions:
RP1-related disorder. Also called: RP1-related condition.

Submission:

PreventionGenetics, part of Exact Sciences
Classification: Pathogenic for RP1-related condition. Last evaluated: 2023-04-26. Review status: criteria provided, single submitter. Criteria: ACMG Guidelines, 2015. Collection method: clinical testing. Allele origin: germline.
Comment: The RP1 c.1938_1941delTAAT variant is predicted to result in a frameshift and premature protein termination (p.Ile646Metfs*8). This variant has been reported in the compound heterozygous state in an individual with cone-rod dystrophy (Reported as c.1934_1937delTAAT in Table S2 in Liu et al 2020. PubMed ID: 33090715). This variant has not been reported in a large population database, indicating this variant is rare. Frameshift variants in RP1 are expected to be pathogenic. This variant is interpreted as pathogenic for autosomal recessive RP1-related disorders.

NM_006269.2(RP1):c.1938_1941del (p.Ile646fs)

Gene: RP1 (RP1 axonemal microtubule associated; plus strand). Cytogenetic location: 8q12.1.
Variant type: Microsatellite.
Coding change: c.1938_1941del on transcript NM_006269.2 (MANE Select); coding-DNA positions 1938 to 1941, 4 bases deleted (TAAT; older notation c.1938_1941delTAAT).
Protein change: p.Ile646fs; shifts the reading frame from isoleucine 646.
Molecular consequence: frameshift variant. On other transcripts: intron variant (1).
Genome position (GRCh38, 1-based): chr8:54,625,820-54,625,823, TAAT deleted; deleting any 4 consecutive bases within chr8:54,625,816-54,625,823 gives the same sequence; the c. name uses the placement nearest the transcript's 3' end. VCF-style (leftmost placement, unchanged base first): chr8-54625815-CTAAT-C. GRCh37 (hg19) VCF-style: chr8-55538375-CTAAT-C.
Other names: c.787+3532_787+3535del (NM_001375654.1); short protein forms I646fs.
Identifiers: ClinVar variation 2633149 (VCV002633149.1), dbSNP rs2536572369, ClinGen allele CA2687301828.